The following is an entry in ClinVar:

NM_052947.4(ALPK2):c.766G>A (p.Gly256Ser)

Genes: ALPK2 (alpha kinase 2; minus strand), LOC114803473 (ALPK2 eExon liver enhancer; plus strand). Cytogenetic location: 18q21.31.
Variant type: single nucleotide variant.
Coding change: c.766G>A on transcript NM_052947.4 (MANE Select); coding-DNA position 766, G replaced by A.
Protein change: p.Gly256Ser; replaces glycine 256 with serine.
Molecular consequence: missense variant.
Genome position (GRCh38, 1-based): chr18:58,580,010, C>T on the plus strand (G>A on the coding strand, the complement: ALPK2 is on the minus strand). VCF-style: chr18-58580010-C-T. GRCh37 (hg19) VCF-style: chr18-56247242-C-T.
Other names: short protein forms G256S.
Identifiers: ClinVar variation 2449259 (VCV002449259.2), dbSNP rs776542263, ClinGen allele CA402567255.

ClinVar aggregate classification (germline): Uncertain significance (1 of 4 stars; one submission).

Submission:

Ambry Genetics
Classification: Uncertain significance. Last evaluated: 2023-01-16. Review status: criteria provided, single submitter. Criteria: Ambry Variant Classification Scheme 2023. Collection method: clinical testing. Allele origin: germline.
Comment: The p.G256S variant (also known as c.766G>A), located in coding exon 3 of the ALPK2 gene, results from a G to A substitution at nucleotide position 766. The glycine at codon 256 is replaced by serine, an amino acid with similar properties. This amino acid position is conserved. In addition, this alteration is predicted to be tolerated by in silico analysis. Since supporting evidence is limited at this time, the clinical significance of this alteration remains unclear.